The following is an entry in ClinVar:

NM_015205.3(ATP11A):c.1912C>T (p.Arg638Ter)

Gene: ATP11A (ATPase phospholipid transporting 11A; plus strand). Cytogenetic location: 13q34.
Variant type: single nucleotide variant.
Coding change: c.1912C>T on transcript NM_015205.3 (MANE Select); coding-DNA position 1912, C replaced by T.
Protein change: p.Arg638Ter; replaces arginine 638 with a stop codon.
Molecular consequence: nonsense.
Genome position (GRCh38, 1-based): chr13:112,851,139, C>T. VCF-style: chr13-112851139-C-T. GRCh37 (hg19) VCF-style: chr13-113505453-C-T.
Other names: c.1912C>T, p.Arg638Ter (NM_001405661.1, NM_001405662.1, NM_001405663.1 and 1 more transcripts); short protein forms R638*.
Identifiers: ClinVar variation 2672550 (VCV002672550.23), dbSNP rs766879340, ClinGen allele CA388763772.

ClinVar aggregate classification (germline): Uncertain significance (1 of 4 stars; one submission).

gnomAD v4.1: 3 of 1,614,124 alleles (0.00019%); highest among the groups gnomAD compares: Non-Finnish European, 0.00025%; no homozygotes.

Submission:

CeGaT Center for Human Genetics Tuebingen
Classification: Uncertain significance. Last evaluated: 2023-11-01. Review status: criteria provided, single submitter. Criteria: CeGaT Center For Human Genetics Tuebingen Variant Classification Criteria Version 2. Collection method: clinical testing. Allele origin: germline. Affected: yes. Observed: 1 variant allele.
Comment: ATP11A: PM2